The following is an entry in ClinVar:

ClinVar aggregate classification (germline): Uncertain significance. Review status: criteria provided, multiple submitters, no conflicts (2 of 4 stars). 2 submissions from 2 submitters: Uncertain significance (2). Last evaluated 2023-08-02.

Conditions:
Inborn genetic diseases. Identifiers: MedGen C0950123, MeSH D030342.
Hereditary spastic paraplegia 47. Also called: adaptor protein 4 (AP-4) deficiency syndrome; CEREBRAL PALSY, SPASTIC QUADRIPLEGIC, 5; Spastic paraplegia 47, autosomal recessive. Identifiers: Orphanet 280763, MedGen C3279738, MONDO:0013551, OMIM 614066.

Allele frequency attached by ClinVar (database versions not stated): TOPMed 0.00002; 1000 Genomes Project 0.00020; ExAC 0.00002; gnomAD 0.00003; 1000 Genomes Project 30x 0.00016.
gnomAD v4.1: 17 of 1,613,812 alleles (0.0011%); highest among the groups gnomAD compares: Middle Eastern, 0.016%; no homozygotes.

Submissions (2):

Ambry Genetics
Classification: Uncertain significance for Inborn genetic diseases. Last evaluated: 2023-08-02. Review status: criteria provided, single submitter. Criteria: Ambry Variant Classification Scheme 2023. Collection method: clinical testing. Allele origin: germline.

Labcorp Genetics (formerly Invitae), Labcorp
Classification: Uncertain significance for Hereditary spastic paraplegia 47. Last evaluated: 2022-04-06. Review status: criteria provided, single submitter. Criteria: Invitae Variant Classification Sherloc (09022015). Collection method: clinical testing. Allele origin: germline.
Comment: This sequence change replaces leucine, which is neutral and non-polar, with phenylalanine, which is neutral and non-polar, at codon 274 of the AP4B1 protein (p.Leu274Phe). This variant is present in population databases (rs563341771, gnomAD 0.006%). This variant has not been reported in the literature in individuals affected with AP4B1-related conditions. Algorithms developed to predict the effect of missense changes on protein structure and function are either unavailable or do not agree on the potential impact of this missense change (SIFT: "Deleterious"; PolyPhen-2: "Possibly Damaging"; Align-GVGD: "Class C0"). In summary, the available evidence is currently insufficient to determine the role of this variant in disease. Therefore, it has been classified as a Variant of Uncertain Significance.

NM_001253852.3(AP4B1):c.820C>T (p.Leu274Phe)

Genes: AP4B1 (adaptor related protein complex 4 subunit beta 1; minus strand), AP4B1-AS1 (AP4B1 antisense RNA 1; plus strand). Cytogenetic location: 1p13.2.
Variant type: single nucleotide variant.
Coding change: c.820C>T on transcript NM_001253852.3 (MANE Select); coding-DNA position 820, C replaced by T.
Protein change: p.Leu274Phe; replaces leucine 274 with phenylalanine.
Molecular consequence: missense variant. On other transcripts: non-coding transcript variant (2).
Genome position (GRCh38, 1-based): chr1:113,900,198, G>A on the plus strand (C>T on the coding strand, the complement: AP4B1 is on the minus strand). VCF-style: chr1-113900198-G-A. GRCh37 (hg19) VCF-style: chr1-114442820-G-A.
Other names: c.820C>T (NM_006594.2); c.523C>T, p.Leu175Phe (NM_001253853.3); c.316C>T, p.Leu106Phe (NM_001308312.2); c.820C>T, p.Leu274Phe (NM_006594.5); short protein forms L106F, L175F, L274F.
Identifiers: ClinVar variation 2041494 (VCV002041494.6), dbSNP rs563341771, ClinGen allele CA1016005.
Genomic context (GRCh38, chr1:113,900,198, plus strand): 5'-AACAGAGCTCACGGCTCTCTGAAGAACAGGCAGCTAGCAAAGGTCCCTTGACCCGCACAA[G>A]GACATCAGTTTGTACGTGGGGAAACATTTTTGCCAAGATCAGAAAAAGTTTGGTAGCTCC-3'
Protein context (NP_001240781.1, residues 264-284): KMFPHVQTDV[Leu274Phe]VRVKGPLLAA